The following is an entry in ClinVar:

NM_006231.4(POLE):c.5648C>T (p.Ala1883Val)

Gene: POLE (DNA polymerase epsilon, catalytic subunit; minus strand). Cytogenetic location: 12q24.33.
Variant type: single nucleotide variant.
Coding change: c.5648C>T on transcript NM_006231.4 (MANE Select); coding-DNA position 5648, C replaced by T.
Protein change: p.Ala1883Val; replaces alanine 1883 with valine.
Molecular consequence: missense variant.
Genome position (GRCh38, 1-based): chr12:132,638,044, G>A on the plus strand (C>T on the coding strand, the complement: POLE is on the minus strand). VCF-style: chr12-132638044-G-A. GRCh37 (hg19) VCF-style: chr12-133214630-G-A.
Other names: short protein forms A1883V.
Identifiers: ClinVar variation 3630216 (VCV003630216.2).

ClinVar aggregate classification (germline): Uncertain significance (1 of 4 stars; one submission).

Submission:

Labcorp Genetics (formerly Invitae), Labcorp
Classification: Uncertain significance. Last evaluated: 2024-10-05. Review status: criteria provided, single submitter. Criteria: Invitae Variant Classification Sherloc (09022015). Collection method: clinical testing. Allele origin: germline.
Comment: This sequence change replaces alanine, which is neutral and non-polar, with valine, which is neutral and non-polar, at codon 1883 of the POLE protein (p.Ala1883Val). This variant is not present in population databases (gnomAD no frequency). This variant has not been reported in the literature in individuals affected with POLE-related conditions. Invitae Evidence Modeling of protein sequence and biophysical properties (such as structural, functional, and spatial information, amino acid conservation, physicochemical variation, residue mobility, and thermodynamic stability) indicates that this missense variant is not expected to disrupt POLE protein function with a negative predictive value of 80%. In summary, the available evidence is currently insufficient to determine the role of this variant in disease. Therefore, it has been classified as a Variant of Uncertain Significance.